The following is an entry in ClinVar:

ClinVar aggregate classification (germline): Uncertain significance (1 of 4 stars; one submission).

Allele frequency attached by ClinVar (database versions not stated): gnomAD exomes below 0.00001.
gnomAD v4.1: 1 of 1,514,522 alleles (0.000066%); highest among the groups gnomAD compares: Non-Finnish European, 0.000092%; no homozygotes.

Submission:

Ambry Genetics
Classification: Uncertain significance. Last evaluated: 2022-04-26. Review status: criteria provided, single submitter. Criteria: Ambry Variant Classification Scheme 2023. Collection method: clinical testing. Allele origin: germline.
Comment: The p.T488I variant (also known as c.1463C>T), located in coding exon 9 of the POLQ gene, results from a C to T substitution at nucleotide position 1463. The threonine at codon 488 is replaced by isoleucine, an amino acid with similar properties. This amino acid position is conserved. In addition, the in silico prediction for this alteration is inconclusive. Since supporting evidence is limited at this time, the clinical significance of this alteration remains unclear.

NM_199420.4(POLQ):c.1463C>T (p.Thr488Ile)

Gene: POLQ (DNA polymerase theta; minus strand). Cytogenetic location: 3q13.33.
Variant type: single nucleotide variant.
Coding change: c.1463C>T on transcript NM_199420.4 (MANE Select); coding-DNA position 1463, C replaced by T.
Protein change: p.Thr488Ile; replaces threonine 488 with isoleucine.
Molecular consequence: missense variant.
Genome position (GRCh38, 1-based): chr3:121,519,876, G>A on the plus strand (C>T on the coding strand, the complement: POLQ is on the minus strand). VCF-style: chr3-121519876-G-A. GRCh37 (hg19) VCF-style: chr3-121238723-G-A.
Other names: short protein forms T488I.
Identifiers: ClinVar variation 1773198 (VCV001773198.2), dbSNP rs2546809949, ClinGen allele CA354118867.